The following is an entry in ClinVar:

NM_206933.4(USH2A):c.6752C>G (p.Ser2251Ter)

Gene: USH2A (usherin; minus strand). Cytogenetic location: 1q41.
Variant type: single nucleotide variant.
Coding change: c.6752C>G on transcript NM_206933.4 (MANE Select); coding-DNA position 6752, C replaced by G.
Protein change: p.Ser2251Ter; replaces serine 2251 with a stop codon.
Molecular consequence: nonsense.
Genome position (GRCh38, 1-based): chr1:215,993,073, G>C on the plus strand (C>G on the coding strand, the complement: USH2A is on the minus strand). VCF-style: chr1-215993073-G-C. GRCh37 (hg19) VCF-style: chr1-216166415-G-C.
Other names: short protein forms S2251*.
Identifiers: ClinVar variation 2854900 (VCV002854900.3), dbSNP rs1302722012, ClinGen allele CA344860397.

ClinVar aggregate classification (germline): Pathogenic (1 of 4 stars; one submission).

gnomAD v4.1: 1 of 1,614,094 alleles (0.000062%); highest among the groups gnomAD compares: Non-Finnish European, 0.000085%; no homozygotes.

Submission:

Labcorp Genetics (formerly Invitae), Labcorp
Classification: Pathogenic. Last evaluated: 2023-04-10. Review status: criteria provided, single submitter. Criteria: Invitae Variant Classification Sherloc (09022015). Collection method: clinical testing. Allele origin: germline.
Comment: For these reasons, this variant has been classified as Pathogenic. This premature translational stop signal has been observed in individual(s) with Usher syndrome (PMID: 32675063). This variant is not present in population databases (gnomAD no frequency). This sequence change creates a premature translational stop signal (p.Ser2251*) in the USH2A gene. It is expected to result in an absent or disrupted protein product. Loss-of-function variants in USH2A are known to be pathogenic (PMID: 10729113, 10909849, 20507924, 25649381).

Literature cited by the submitters: PubMed 32675063; PubMed 10729113; PubMed 10909849; PubMed 20507924; PubMed 25649381.